The following is an entry in ClinVar:

ClinVar aggregate classification (germline): Likely pathogenic (1 of 4 stars; one submission).

Conditions:
Osteogenesis imperfecta type I (OI1). Also called: Osteogenesis imperfecta type 1; OI, TYPE I; OSTEOGENESIS IMPERFECTA TARDA; OSTEOGENESIS IMPERFECTA WITH BLUE SCLERAE; Lobstein's Disease; Lobstein disease. Identifiers: Orphanet 216796, Orphanet 666, MedGen C0023931, MONDO:0008146, OMIM 166200. Disease mechanism: loss of function.

Submission:

Labcorp Genetics (formerly Invitae), Labcorp
Classification: Likely pathogenic for Osteogenesis imperfecta type I. Last evaluated: 2021-04-16. Review status: criteria provided, single submitter. Criteria: Invitae Variant Classification Sherloc (09022015). Collection method: clinical testing. Allele origin: germline.
Comment: This variant is not present in population databases (ExAC no frequency). In summary, this variant is a novel missense change affecting a residue that is known to be critical for normal protein structure, stability and function. This type of missense change is also highly enriched in affected individuals and expected to be pathogenic. However, without additional functional and/or genetic data, this variant has been classified as Likely Pathogenic. Algorithms developed to predict the effect of sequence changes on RNA splicing suggest that this variant may disrupt the consensus splice site, but this prediction has not been confirmed by published transcriptional studies. Glycine residues within the Gly-Xaa-Yaa repeats of the triple helix domain are required for the structure and stability of fibrillar collagens (PMID: 7695699, 8218237, 19344236). In COL1A1, missense variants at these glycine residues are significantly enriched in individuals with disease (PMID: 9016532, 17078022) compared to the general population (ExAC). Different missense substitutions at this codon (p.Gly269Ser and p.Gly269Val ) have been reported in individuals affected with osteogenesis imperfecta (PMID: 17078022). This suggests that the glycine residue is critical for COL1A1 protein function and that other missense substitutions at this position may also be pathogenic. This sequence change replaces glycine with arginine at codon 269 of the COL1A1 protein (p.Gly269Arg). The glycine residue is highly conserved and there is a moderate physicochemical difference between glycine and arginine.

Literature cited by the submitters: PubMed 7695699; PubMed 8218237; PubMed 19344236; PubMed 9016532; PubMed 17078022.

NM_000088.4(COL1A1):c.805G>C (p.Gly269Arg)

Genes: COL1A1 (collagen type I alpha 1 chain; minus strand), LOC126862586 (CDK7 strongly-dependent group 2 enhancer GRCh37_chr17:48273702-48274901; plus strand). Cytogenetic location: 17q21.33.
Variant type: single nucleotide variant.
Coding change: c.805G>C on transcript NM_000088.4 (MANE Select); coding-DNA position 805, G replaced by C.
Protein change: p.Gly269Arg; replaces glycine 269 with arginine.
Molecular consequence: missense variant.
Genome position (GRCh38, 1-based): chr17:50,196,670, C>G on the plus strand (G>C on the coding strand, the complement: COL1A1 is on the minus strand). VCF-style: chr17-50196670-C-G. GRCh37 (hg19) VCF-style: chr17-48274031-C-G.
Other names: short protein forms G269R.
Identifiers: ClinVar variation 526863 (VCV000526863.9), dbSNP rs72645328, ClinGen allele CA400222713.
Genomic context (GRCh38, chr17:50,196,670, plus strand): 5'-CTCTTACCTTAGGACCAGCAGGACCAGCATCTCCCTTGGCACCATCCAAACCACTGAAAC[C>G]CTAAAGCAGGAAAGAGGTAGAAGGTAAGAACCTGTGGAGGGGGTGGAACAGCCTTGACAT-3'
Protein context (NP_000079.2, residues 259-279): AGLPGMKGHR[Gly269Arg]FSGLDGAKGD